The following is an entry in ClinVar:

ClinVar aggregate classification (germline): Uncertain significance (1 of 4 stars; one submission).

Conditions:
Severe early-onset pulmonary alveolar proteinosis due to MARS deficiency. Also called: PULMONARY ALVEOLAR PROTEINOSIS, REUNION ISLAND; Interstitial lung and liver disease. Identifiers: Orphanet 440427, MedGen C4225400, MONDO:0014206, OMIM 615486.
Charcot-Marie-Tooth disease axonal type 2U. Also called: CHARCOT-MARIE-TOOTH NEUROPATHY, TYPE 2U; CHARCOT-MARIE-TOOTH DISEASE, AXONAL, AUTOSOMAL DOMINANT, TYPE 2U. Identifiers: Orphanet 397735, MedGen C4084821, MONDO:0014566, OMIM 616280.

Submission:

Labcorp Genetics (formerly Invitae), Labcorp
Classification: Uncertain significance for Charcot-Marie-Tooth disease axonal type 2U; Severe early-onset pulmonary alveolar proteinosis due to MARS deficiency. Last evaluated: 2023-08-30. Review status: criteria provided, single submitter. Criteria: Invitae Variant Classification Sherloc (09022015). Collection method: clinical testing. Allele origin: germline.
Comment: This sequence change replaces arginine, which is basic and polar, with threonine, which is neutral and polar, at codon 2 of the MARS protein (p.Arg2Thr). This variant is not present in population databases (gnomAD no frequency). This variant has not been reported in the literature in individuals affected with MARS-related conditions. ClinVar contains an entry for this variant (Variation ID: 1939722). An algorithm developed to predict the effect of missense changes on protein structure and function (PolyPhen-2) suggests that this variant is likely to be tolerated. In summary, the available evidence is currently insufficient to determine the role of this variant in disease. Therefore, it has been classified as a Variant of Uncertain Significance.

NM_004990.4(MARS1):c.5G>C (p.Arg2Thr)

Genes: ARHGAP9 (Rho GTPase activating protein 9; minus strand), MARS1 (methionyl-tRNA synthetase 1; plus strand). Cytogenetic location: 12q13.3.
Variant type: single nucleotide variant.
Coding change: c.5G>C on transcript NM_004990.4 (MANE Select); coding-DNA position 5, G replaced by C.
Protein change: p.Arg2Thr; replaces arginine 2 with threonine.
Molecular consequence: missense variant. On other transcripts: intron variant (1).
Genome position (GRCh38, 1-based): chr12:57,488,095, G>C. VCF-style: chr12-57488095-G-C. GRCh37 (hg19) VCF-style: chr12-57881878-G-C.
Other names: c.-204+517C>G (NM_001319850.2); short protein forms R2T.
Identifiers: ClinVar variation 1939722 (VCV001939722.5), dbSNP rs1166063337, ClinGen allele CA385489935.
Genomic context (GRCh38, chr12:57,488,095, plus strand): 5'-TGAACTCAGAAGCGGGAGGCCGGTTCCGGTTGCATCAGCGAGGGATTCACGGCGAAATGA[G>C]ACTGTTCGTGAGTGATGGCGTCCCGGGTTGCTTGCCGGTGCTGGCCGCCGCCGGGAGAGC-3'
Protein context (NP_004981.2, residues 1-12): M[Arg2Thr]LFVSDGVPGC